The following is an entry in ClinVar:

ClinVar aggregate classification (germline): Uncertain significance (1 of 4 stars; one submission).

Conditions:
Dyskeratosis congenita. Identifiers: Orphanet 1775, MedGen C0265965, MONDO:0015780.

Submission:

Labcorp Genetics (formerly Invitae), Labcorp
Classification: Uncertain significance for Dyskeratosis congenita. Last evaluated: 2021-03-27. Review status: criteria provided, single submitter. Criteria: Invitae Variant Classification Sherloc (09022015). Collection method: clinical testing. Allele origin: germline.
Comment: In summary, the available evidence is currently insufficient to determine the role of this variant in disease. Therefore, it has been classified as a Variant of Uncertain Significance. Algorithms developed to predict the effect of missense changes on protein structure and function are either unavailable or do not agree on the potential impact of this missense change (SIFT: "Deleterious"; PolyPhen-2: "Benign"; Align-GVGD: "Class C0"). This variant has not been reported in the literature in individuals with CTC1-related conditions. This variant is not present in population databases (ExAC no frequency). This sequence change replaces arginine with glycine at codon 292 of the CTC1 protein (p.Arg292Gly). The arginine residue is moderately conserved and there is a moderate physicochemical difference between arginine and glycine.

NM_025099.6(CTC1):c.874C>G (p.Arg292Gly)

Gene: CTC1 (CST telomere replication complex component 1; minus strand). Cytogenetic location: 17p13.1.
Variant type: single nucleotide variant.
Coding change: c.874C>G on transcript NM_025099.6 (MANE Select); coding-DNA position 874, C replaced by G.
Protein change: p.Arg292Gly; replaces arginine 292 with glycine.
Molecular consequence: missense variant. On other transcripts: non-coding transcript variant (1).
Genome position (GRCh38, 1-based): chr17:8,236,261, G>C on the plus strand (C>G on the coding strand, the complement: CTC1 is on the minus strand). VCF-style: chr17-8236261-G-C. GRCh37 (hg19) VCF-style: chr17-8139579-G-C.
Other names: short protein forms R292G.
Identifiers: ClinVar variation 1420389 (VCV001420389.8), dbSNP rs1013688033, ClinGen allele CA397988746.